The following is an entry in ClinVar:

NM_000518.4(HBB):c.-75G>A

Genes: HBB (hemoglobin subunit beta; minus strand), LOC106099062 (HBB recombination region; plus strand), LOC107133510 (origin of replication at HBB; plus strand). Cytogenetic location: 11p15.4.
Variant type: single nucleotide variant.
Coding change: c.-75G>A on transcript NM_000518.4; 75 bases upstream of the start codon, G replaced by A.
Genome position (GRCh38, 1-based): chr11:5,227,096, C>T on the plus strand (G>A on the coding strand, the complement: HBB is on the minus strand). VCF-style: chr11-5227096-C-T. GRCh37 (hg19) VCF-style: chr11-5248326-C-T.
Identifiers: ClinVar variation 619859 (VCV000619859.4), dbSNP rs63750400, ClinGen allele CA913190240.

ClinVar aggregate classification (germline): Uncertain significance (1 of 4 stars; one submission).

Submission:

Quest Diagnostics Nichols Institute San Juan Capistrano
Classification: Uncertain significance. Last evaluated: 2022-09-23. Review status: criteria provided, single submitter. Criteria: Quest Diagnostics criteria. Collection method: clinical testing. Allele origin: unknown.
Comment: To the best of our knowledge, the variant has not been reported in the published literature. Another variant at this nucleotide position (HBB c.-75G>C) is likely pathogenic and is associated with beta-thalassemia (PMID: 25657036 (2015), 17486493 (2007), and 21423179 (2014)). The frequency of this variant in the general population, 0.0000066 (1/152166 chromosomes), is uninformative in assessment of its pathogenicity. Based on the available information, we are unable to determine the clinical significance of this variant.